The following is an entry in ClinVar:

ClinVar aggregate classification (germline): Uncertain significance (1 of 4 stars; one submission).

Conditions:
Multiple endocrine neoplasia, type 1 (MEN1). Also called: MEN I; WERMER SYNDROME; Endocrine adenomatosis multiple; MEN 1; MEA I. Identifiers: Orphanet 652, MedGen C0025267, MeSH D018761, MONDO:0007540, OMIM 131100.

Submission:

Labcorp Genetics (formerly Invitae), Labcorp
Classification: Uncertain significance for Multiple endocrine neoplasia, type 1. Last evaluated: 2023-03-09. Review status: criteria provided, single submitter. Criteria: Invitae Variant Classification Sherloc (09022015). Collection method: clinical testing. Allele origin: germline.
Comment: This variant has not been reported in the literature in individuals affected with MEN1-related conditions. This sequence change replaces leucine, which is neutral and non-polar, with methionine, which is neutral and non-polar, at codon 254 of the MEN1 protein (p.Leu254Met). This variant is not present in population databases (gnomAD no frequency). Advanced modeling of protein sequence and biophysical properties (such as structural, functional, and spatial information, amino acid conservation, physicochemical variation, residue mobility, and thermodynamic stability) has been performed at Invitae for this missense variant, however the output from this modeling did not meet the statistical confidence thresholds required to predict the impact of this variant on MEN1 protein function. In summary, the available evidence is currently insufficient to determine the role of this variant in disease. Therefore, it has been classified as a Variant of Uncertain Significance.

NM_001370259.2(MEN1):c.760C>A (p.Leu254Met)

Gene: MEN1 (menin 1; minus strand). Cytogenetic location: 11q13.1.
Variant type: single nucleotide variant.
Coding change: c.760C>A on transcript NM_001370259.2 (MANE Select); coding-DNA position 760, C replaced by A.
Protein change: p.Leu254Met; replaces leucine 254 with methionine.
Molecular consequence: missense variant. On other transcripts: non-coding transcript variant (4).
Genome position (GRCh38, 1-based): chr11:64,807,575, G>T on the plus strand (C>A on the coding strand, the complement: MEN1 is on the minus strand). VCF-style: chr11-64807575-G-T. GRCh37 (hg19) VCF-style: chr11-64575047-G-T.
Other names: c.775C>A, p.Leu259Met (NM_000244.4, NM_001407145.1, NM_001407150.1 and 5 more transcripts); c.760C>A, p.Leu254Met (NM_001370251.2, NM_001370260.2, NM_001370261.2 and 7 more transcripts); c.655C>A, p.Leu219Met (NM_001370262.2, NM_001370263.2, NM_001407148.1 and 2 more transcripts); short protein forms L259M, L254M, L219M.
Identifiers: ClinVar variation 2839089 (VCV002839089.3), dbSNP rs1194394888, ClinGen allele CA381184241.